The following is an entry in ClinVar:

ClinVar aggregate classification (germline): Benign. Review status: criteria provided, multiple submitters, no conflicts (2 of 4 stars). 2 submissions from 2 submitters: Benign (2). Last evaluated 2018-06-14.

Allele frequency attached by ClinVar (database versions not stated): gnomAD exomes 0.00746; gnomAD 0.02439 and 0.02463; TOPMed 0.02663; 1000 Genomes Project 0.03974; 1000 Genomes Project 30x 0.04044.
gnomAD v4.1: 13,266 of 1,417,220 alleles (0.94%); highest among the groups gnomAD compares: African/African-American, 7.7%; 436 homozygotes.

Submissions (2):

GeneDx
Classification: Benign. Last evaluated: 2018-06-14. Review status: criteria provided, single submitter. Criteria: GeneDx Variant Classification (06012015). Collection method: clinical testing. Allele origin: germline. Affected: yes.
Comment: This variant is considered likely benign or benign based on one or more of the following criteria: it is a conservative change, it occurs at a poorly conserved position in the protein, it is predicted to be benign by multiple in silico algorithms, and/or has population frequency not consistent with disease.

Breakthrough Genomics
Classification: Benign. Review status: criteria provided, single submitter. Criteria: ACMG Guidelines, 2015. Collection method: not provided. Allele origin: germline. Inheritance: Autosomal recessive inheritance. Affected: yes.

NM_032634.4(PIGO):c.2647+83C>T

Gene: PIGO (phosphatidylinositol glycan anchor biosynthesis class O; minus strand). Cytogenetic location: 9p13.3.
Variant type: single nucleotide variant.
Coding change: c.2647+83C>T on transcript NM_032634.4 (MANE Select); 83 bases into the intron after coding-DNA position 2647, C replaced by T.
Molecular consequence: intron variant.
Genome position (GRCh38, 1-based): chr9:35,091,157, G>A on the plus strand (C>T on the coding strand, the complement: PIGO is on the minus strand). VCF-style: chr9-35091157-G-A. GRCh37 (hg19) VCF-style: chr9-35091154-G-A.
Other names: c.1396+83C>T (NM_152850.4, NM_001201484.2).
Identifiers: ClinVar variation 672892 (VCV000672892.2), dbSNP rs2240113, ClinGen allele CA192709425.